The following is an entry in ClinVar:

ClinVar aggregate classification (germline): Uncertain significance (1 of 4 stars; one submission).

Allele frequency attached by ClinVar (database versions not stated): gnomAD exomes below 0.00001.

Submission:

Labcorp Genetics (formerly Invitae), Labcorp
Classification: Uncertain significance. Last evaluated: 2024-06-10. Review status: criteria provided, single submitter. Criteria: Invitae Variant Classification Sherloc (09022015). Collection method: clinical testing. Allele origin: germline.
Comment: This sequence change replaces threonine, which is neutral and polar, with serine, which is neutral and polar, at codon 760 of the SON protein (p.Thr760Ser). This variant is not present in population databases (gnomAD no frequency). This variant has not been reported in the literature in individuals affected with SON-related conditions. Algorithms developed to predict the effect of missense changes on protein structure and function output the following: SIFT: "Not Available"; PolyPhen-2: "Benign"; Align-GVGD: "Not Available". The serine amino acid residue is found in multiple mammalian species, which suggests that this missense change does not adversely affect protein function. In summary, the available evidence is currently insufficient to determine the role of this variant in disease. Therefore, it has been classified as a Variant of Uncertain Significance.

NM_138927.4(SON):c.2278A>T (p.Thr760Ser)

Gene: SON (SON DNA and RNA binding protein; plus strand). Cytogenetic location: 21q22.11.
Variant type: single nucleotide variant.
Coding change: c.2278A>T on transcript NM_138927.4 (MANE Select); coding-DNA position 2278, A replaced by T.
Protein change: p.Thr760Ser; replaces threonine 760 with serine.
Molecular consequence: missense variant. On other transcripts: non-coding transcript variant (1), intron variant (1).
Genome position (GRCh38, 1-based): chr21:33,551,509, A>T. VCF-style: chr21-33551509-A-T. GRCh37 (hg19) VCF-style: chr21-34923815-A-T.
Other names: c.2278A>T, p.Thr760Ser (NM_001291411.2, NM_001412133.1, NM_032195.3 and 2 more transcripts); c.244+5130A>T (NM_001291412.3); short protein forms T760S.
Identifiers: ClinVar variation 2987417 (VCV002987417.3), dbSNP rs969517496, ClinGen allele CA320150333.
Genomic context (GRCh38, chr21:33,551,509, plus strand): 5'-ACCATGGACTCCCAGATGCTAGCATCCAACACCATGGACTCCCAGATGTTAGCGTCTAGC[A>T]CCATGGACTCCCAGATGTTAGCAACTAGCTCCATGGACTCCCAGATGTTAGCAACTAGCT-3'
Protein context (NP_620305.3, residues 750-770): TMDSQMLASS[Thr760Ser]MDSQMLATSS